The following is an entry in ClinVar:

ClinVar aggregate classification (germline): Uncertain significance (1 of 4 stars; one submission).

Submission:

Mayo Clinic Laboratories, Mayo Clinic
Classification: Uncertain significance. Last evaluated: 2025-09-20. Review status: criteria provided, single submitter. Criteria: ACMG Guidelines, 2015. Collection method: clinical testing. Allele origin: germline. Observed: 1 variant allele.
Comment: PM2_supporting

NM_001458.5(FLNC):c.2014G>A (p.Ala672Thr)

Gene: FLNC (filamin C; plus strand). Cytogenetic location: 7q32.1.
Variant type: single nucleotide variant.
Coding change: c.2014G>A on transcript NM_001458.5 (MANE Select); coding-DNA position 2014, G replaced by A.
Protein change: p.Ala672Thr; replaces alanine 672 with threonine.
Molecular consequence: missense variant.
Genome position (GRCh38, 1-based): chr7:128,841,460, G>A. VCF-style: chr7-128841460-G-A. GRCh37 (hg19) VCF-style: chr7-128481514-G-A.
Other names: p.Ala672Thr; c.2014G>A, p.Ala672Thr (NM_001127487.2); short protein forms A672T.
Identifiers: ClinVar variation 4541333 (VCV004541333.1).